The following is an entry in ClinVar:

NM_003079.5(SMARCE1):c.916G>A (p.Glu306Lys)

Gene: SMARCE1 (SWI/SNF related BAF chromatin remodeling complex subunit E1; minus strand). Cytogenetic location: 17q21.2.
Variant type: single nucleotide variant.
Coding change: c.916G>A on transcript NM_003079.5 (MANE Select); coding-DNA position 916, G replaced by A.
Protein change: p.Glu306Lys; replaces glutamic acid 306 with lysine.
Molecular consequence: missense variant.
Genome position (GRCh38, 1-based): chr17:40,630,825, C>T on the plus strand (G>A on the coding strand, the complement: SMARCE1 is on the minus strand). VCF-style: chr17-40630825-C-T. GRCh37 (hg19) VCF-style: chr17-38787077-C-T.
Other names: short protein forms E306K.
Identifiers: ClinVar variation 2745283 (VCV002745283.3), dbSNP rs1344377578, ClinGen allele CA399363657.

ClinVar aggregate classification (germline): Uncertain significance (1 of 4 stars; one submission).

Conditions:
Familial meningioma. Also called: Meningioma, familial, susceptibility to. Identifiers: Orphanet 263662, MedGen C3551915, MONDO:0011789, OMIM 607174.

Submission:

Labcorp Genetics (formerly Invitae), Labcorp
Classification: Uncertain significance for Familial meningioma. Last evaluated: 2024-12-09. Review status: criteria provided, single submitter. Criteria: Invitae Variant Classification Sherloc (09022015). Collection method: clinical testing. Allele origin: germline.
Comment: This sequence change replaces glutamic acid, which is acidic and polar, with lysine, which is basic and polar, at codon 306 of the SMARCE1 protein (p.Glu306Lys). This variant is not present in population databases (gnomAD no frequency). This variant has not been reported in the literature in individuals affected with SMARCE1-related conditions. ClinVar contains an entry for this variant (Variation ID: 2745283). Invitae Evidence Modeling of protein sequence and biophysical properties (such as structural, functional, and spatial information, amino acid conservation, physicochemical variation, residue mobility, and thermodynamic stability) indicates that this missense variant is not expected to disrupt SMARCE1 protein function with a negative predictive value of 80%. In summary, the available evidence is currently insufficient to determine the role of this variant in disease. Therefore, it has been classified as a Variant of Uncertain Significance.